The following is an entry in ClinVar:

ClinVar aggregate classification (germline): Likely pathogenic. Review status: criteria provided, multiple submitters, no conflicts (2 of 4 stars). 5 submissions from 5 submitters: Likely pathogenic (5). Last evaluated 2025-12-23.

Conditions:
Parkinson disease, late-onset (PD). Also called: Hereditary late onset Parkinson disease; Susceptibility to Parkinson's Disease; PARKINSON DISEASE, LATE-ONSET, SUSCEPTIBILITY TO. Identifiers: Orphanet 411602, MedGen C3160718, MONDO:0008199, OMIM 168600.
Gaucher disease type I (GD1). Also called: Type 1 Gaucher Disease; GD 1; Gaucher's disease, type 1; GAUCHER DISEASE, NONCEREBRAL JUVENILE; GBA DEFICIENCY; GD I. Identifiers: Orphanet 355, Orphanet 77259, MedGen C1961835, MONDO:0009265, OMIM 230800.
Gaucher disease type II (GD2). Also called: Type 2 Gaucher disease (Acute; Infantile); Acute neuronopathic Gaucher's disease; GAUCHER DISEASE, ACUTE NEURONOPATHIC TYPE; GD II. Identifiers: Orphanet 77260, MedGen C0268250, MONDO:0009266, OMIM 230900.
Gaucher disease type III. Also called: Type 3 Gaucher disease (Subacute; Juvenile); Subacute neuronopathic Gaucher's disease; GAUCHER DISEASE, CHRONIC NEURONOPATHIC TYPE; GAUCHER DISEASE, JUVENILE AND ADULT, CEREBRAL; GAUCHER DISEASE, SUBACUTE NEURONOPATHIC TYPE; GD III. Identifiers: Orphanet 355, Orphanet 77261, MedGen C0268251, MONDO:0009267, OMIM 231000.
Gaucher disease-ophthalmoplegia-cardiovascular calcification syndrome. Also called: GAUCHER DISEASE, TYPE IIIC. Identifiers: Orphanet 2072, MedGen C1856476, MONDO:0009268, OMIM 231005.
Lewy body dementia (DLB). Also called: Lewy Body Disease. Identifiers: MedGen C0752347, MONDO:0007488, OMIM 127750.
Gaucher disease perinatal lethal. Also called: Gaucher disease collodion type; Gaucher Disease, Perinatal-Lethal Form. Identifiers: Orphanet 85212, MedGen C1842704, MONDO:0011945, OMIM 608013.
Gaucher disease. Also called: Acute cerebral Gaucher disease; Cerebroside lipidosis syndrome; Gaucher splenomegaly; Sphingolipidosis 1; Glucocerebrosidosis; Glucosylceramidase deficiency. Identifiers: Orphanet 355, MedGen C0017205, MONDO:0018150.

Allele frequency attached by ClinVar (database versions not stated): gnomAD exomes below 0.00001 and 0.00001.
gnomAD v4.1: 6 of 1,613,992 alleles (0.00037%); highest among the groups gnomAD compares: Admixed American, 0.005%; no homozygotes.

Submissions (5):

Natera, Inc.
Classification: Likely pathogenic for Gaucher disease. Last evaluated: 2025-12-23. Review status: criteria provided, single submitter. Criteria: Natera Variant Classification Schema (03/2026). Collection method: clinical testing. Allele origin: germline.
Comment: The c.896T>C variant in GBA1 is a missense variant predicted to cause substitution of isoleucine to threonine at amino acid 299. This variant is rare in the general population with a frequency below the threshold expected for the associated phenotype(s). This variant has been observed in one or more individuals affected with the associated recessive disease, as either homozygous or compound heterozygous with a second variant (PMID: 29656334, 15967693, 33301762, 25056340, 34820281). Computational prediction algorithms indicate this variant is likely to affect gene or protein function. Given the available evidence, this variant is classified as Likely Pathogenic.

GeneDx
Classification: Likely pathogenic. Last evaluated: 2023-05-11. Review status: criteria provided, single submitter. Criteria: GeneDx Variant Classification Process June 2021. Collection method: clinical testing. Allele origin: germline. Affected: yes.
Comment: Identified in the heterozygous state in individuals with Parkinson disease and not observed in control individuals used in these studies (Set-Salvia N et al., 2012; den Heijer JM et al., 2020); In silico analysis supports that this missense variant has a deleterious effect on protein structure/function; Also known as p.(I260T); This variant is associated with the following publications: (PMID: 31589614, 29656334, 25653295, 20880730, 26860875, 34280392, 29140481, 15967693, 32618053, 22133539, 25435509, 29423829, 34820281, 33301762, 36220738, 22173904)

Fulgent Genetics
Classification: Likely pathogenic for Lewy body dementia; Parkinson disease, late-onset; Gaucher disease type I; Gaucher disease type II; Gaucher disease type III; Gaucher disease-ophthalmoplegia-cardiovascular calcification syndrome; Gaucher disease perinatal lethal. Last evaluated: 2021-07-13. Review status: criteria provided, single submitter. Criteria: ACMG Guidelines, 2015. Collection method: clinical testing. Allele origin: unknown.

Broad Center for Mendelian Genomics, Broad Institute of MIT and Harvard
Classification: Likely pathogenic for Gaucher disease. Last evaluated: 2020-01-14. Review status: criteria provided, single submitter. Criteria: ACMG Guidelines, 2015. Collection method: curation. Allele origin: germline. Inheritance: Autosomal recessive inheritance.
Comment: The p.Ile299Thr variant in GBA has been reported in 3 individuals with Gaucher disease and has been identified in 0.009% (3/34592) of Latino chromosomes by the Genome Aggregation Database (gnomAD; dbSNP rs794727908). Although this variant has been seen in the general population, its frequency is low enough to be consistent with a recessive carrier frequency. This variant has also been reported in ClinVar (VariationID: 198757) as likely pathogenic by EGL Genetic Diagnostics. Computational prediction tools and conservation analyses suggest that this variant may impact the protein, though this information is not predictive enough to determine pathogenicity. The presence of this variant in one affected homozygote and in combination with reported pathogenic variants in 2 individuals with Gaucher disease increases the likelihood that the p.Ile299Thr variant is pathogenic (VariationID: 4288, 4290; PMID: 29656334, 15967693, 29423829). The phenotype of an individual homozygous for this variant is highly specific for Gaucher disease based on very low beta-glucosidase levels, massive hepatosplenomegaly, and neurological abnormalities consistent with disease (PMID: 29656334). In summary, although additional studies are required to fully establish its clinical significance, this variant is likely pathogenic. ACMG/AMP Criteria applied: PM2, PM3, PP3, PP4 (Richards 2015).

Eurofins Ntd Llc (ga)
Classification: Likely pathogenic. Last evaluated: 2014-09-23. Review status: criteria provided, single submitter. Criteria: EGL Classification Definitions 2015. Collection method: clinical testing. Allele origin: germline. Observed: 2 variant alleles, 2 heterozygotes.

Literature cited by the submitters: PubMed 29656334 (cited by Natera, Inc. and Broad Center for Mendelian Genomics, Broad Institute of MIT and Harvard); PubMed 15967693 (cited by Natera, Inc. and Broad Center for Mendelian Genomics, Broad Institute of MIT and Harvard); PubMed 33301762 (cited by Natera, Inc.); PubMed 25056340 (cited by Natera, Inc.); PubMed 34820281 (cited by Natera, Inc.); PubMed 29423829 (cited by Broad Center for Mendelian Genomics, Broad Institute of MIT and Harvard).

NM_000157.4(GBA1):c.896T>C (p.Ile299Thr)

Genes: GBA1 (glucosylceramidase beta 1; minus strand), LOC106627981 (GBA recombination region; plus strand). Cytogenetic location: 1q22.
Variant type: single nucleotide variant.
Coding change: c.896T>C on transcript NM_000157.4 (MANE Select); coding-DNA position 896, T replaced by C.
Protein change: p.Ile299Thr; replaces isoleucine 299 with threonine.
Molecular consequence: missense variant.
Genome position (GRCh38, 1-based): chr1:155,237,444, A>G on the plus strand (T>C on the coding strand, the complement: GBA1 is on the minus strand). VCF-style: chr1-155237444-A-G. GRCh37 (hg19) VCF-style: chr1-155207235-A-G.
Other names: c.896T>C, p.Ile299Thr (NM_001005741.3, NM_001005742.3); c.635T>C, p.Ile212Thr (NM_001171811.2); c.749T>C, p.Ile250Thr (NM_001171812.2); c.896T>C (NM_000157.3); short protein forms I299T, I212T, I250T.
Identifiers: ClinVar variation 198757 (VCV000198757.10), dbSNP rs794727908, ClinGen allele CA275428.